The following is an entry in ClinVar:

NM_006185.4(NUMA1):c.3789G>A (p.Gln1263=)

Gene: NUMA1 (nuclear mitotic apparatus protein 1; minus strand). Cytogenetic location: 11q13.4.
Variant type: single nucleotide variant.
Coding change: c.3789G>A on transcript NM_006185.4 (MANE Select); coding-DNA position 3789, G replaced by A.
Protein change: p.Gln1263=; no amino-acid change (glutamine 1263 retained).
Molecular consequence: synonymous variant.
Genome position (GRCh38, 1-based): chr11:72,013,714, C>T on the plus strand (G>A on the coding strand, the complement: NUMA1 is on the minus strand). VCF-style: chr11-72013714-C-T. GRCh37 (hg19) VCF-style: chr11-71724760-C-T.
Other names: c.3789G>A, p.Gln1263= (NM_001286561.2).
Identifiers: ClinVar variation 3053580 (VCV003053580.2), dbSNP rs61749192, ClinGen allele CA6167214.

ClinVar aggregate classification (germline): Likely benign (0 of 4 stars; one submission).

Conditions:
NUMA1-related disorder. Also called: NUMA1-related condition.

Allele frequency attached by ClinVar (database versions not stated): gnomAD exomes 0.00042; ExAC 0.00136; gnomAD 0.00448; TOPMed 0.00511; ESP Exome Variant Server 0.00524; 1000 Genomes Project 30x 0.00562; 1000 Genomes Project 0.00639.
gnomAD v4.1: 1,329 of 1,609,784 alleles (0.083%); highest among the groups gnomAD compares: African/African-American, 1.6%; 4 homozygotes.

Submission:

PreventionGenetics, part of Exact Sciences
Classification: Likely benign for NUMA1-related condition. Last evaluated: 2019-04-04. Review status: no assertion criteria provided. Collection method: clinical testing. Allele origin: germline.
Comment: This variant is classified as likely benign based on ACMG/AMP sequence variant interpretation guidelines (Richards et al. 2015 PMID: 25741868, with internal and published modifications).